The following is an entry in ClinVar:

ClinVar aggregate classification (germline): Uncertain significance. Review status: criteria provided, multiple submitters, no conflicts (2 of 4 stars). 4 submissions from 4 submitters: Uncertain significance (4). Last evaluated 2024-11-13.

Conditions:
Spastic paraplegia. Identifiers: MedGen C0037772, HP:0001258.

Allele frequency attached by ClinVar (database versions not stated): gnomAD 0.00001; TOPMed 0.00001; gnomAD exomes 0.00002; ExAC 0.00004.
gnomAD v4.1: 38 of 1,611,504 alleles (0.0024%); highest among the groups gnomAD compares: Non-Finnish European, 0.0028%; 1 homozygote.

Submissions (4):

Blueprint Genetics
Classification: Uncertain significance. Last evaluated: 2024-11-13. Review status: criteria provided, single submitter. Criteria: ACMG Guidelines, 2015. Collection method: clinical testing. Allele origin: germline.

Labcorp Genetics (formerly Invitae), Labcorp
Classification: Uncertain significance for Spastic paraplegia. Last evaluated: 2024-10-24. Review status: criteria provided, single submitter. Criteria: Invitae Variant Classification Sherloc (09022015). Collection method: clinical testing. Allele origin: germline.
Comment: This sequence change replaces glutamic acid, which is acidic and polar, with lysine, which is basic and polar, at codon 1350 of the ZFYVE26 protein (p.Glu1350Lys). This variant is present in population databases (rs775761984, gnomAD 0.003%), including at least one homozygous and/or hemizygous individual. This variant has not been reported in the literature in individuals affected with ZFYVE26-related conditions. ClinVar contains an entry for this variant (Variation ID: 1723773). An algorithm developed to predict the effect of missense changes on protein structure and function (PolyPhen-2) suggests that this variant is likely to be disruptive. In summary, the available evidence is currently insufficient to determine the role of this variant in disease. Therefore, it has been classified as a Variant of Uncertain Significance.

Mayo Clinic Laboratories, Mayo Clinic
Classification: Uncertain significance. Last evaluated: 2023-11-03. Review status: criteria provided, single submitter. Criteria: ACMG Guidelines, 2015. Collection method: clinical testing. Allele origin: germline. Observed: 1 variant allele.
Comment: BP4, PM2_moderate

GeneDx
Classification: Uncertain significance. Last evaluated: 2022-05-09. Review status: criteria provided, single submitter. Criteria: GeneDx Variant Classification Process June 2021. Collection method: clinical testing. Allele origin: germline. Affected: yes.
Comment: Not observed at significant frequency in large population cohorts (gnomAD); In silico analysis supports that this missense variant does not alter protein structure/function; Has not been previously published as pathogenic or benign to our knowledge

NM_015346.4(ZFYVE26):c.4048G>A (p.Glu1350Lys)

Gene: ZFYVE26 (zinc finger FYVE-type containing 26; minus strand). Cytogenetic location: 14q24.1.
Variant type: single nucleotide variant.
Coding change: c.4048G>A on transcript NM_015346.4 (MANE Select); coding-DNA position 4048, G replaced by A.
Protein change: p.Glu1350Lys; replaces glutamic acid 1350 with lysine.
Molecular consequence: missense variant.
Genome position (GRCh38, 1-based): chr14:67,783,104, C>T on the plus strand (G>A on the coding strand, the complement: ZFYVE26 is on the minus strand). VCF-style: chr14-67783104-C-T. GRCh37 (hg19) VCF-style: chr14-68249821-C-T.
Other names: p.Glu1350Lys; short protein forms E1350K.
Identifiers: ClinVar variation 1723773 (VCV001723773.7), dbSNP rs775761984, ClinGen allele CA7239848.